The following is an entry in ClinVar:

NM_024665.7(TBL1XR1):c.124G>A (p.Ala42Thr)

Gene: TBL1XR1 (TBL1X/Y related 1; minus strand). Cytogenetic location: 3q26.32.
Variant type: single nucleotide variant.
Coding change: c.124G>A on transcript NM_024665.7 (MANE Select); coding-DNA position 124, G replaced by A.
Protein change: p.Ala42Thr; replaces alanine 42 with threonine.
Molecular consequence: missense variant. On other transcripts: 5 prime UTR variant (2).
Genome position (GRCh38, 1-based): chr3:177,053,853, C>T on the plus strand (G>A on the coding strand, the complement: TBL1XR1 is on the minus strand). VCF-style: chr3-177053853-C-T. GRCh37 (hg19) VCF-style: chr3-176771641-C-T.
Other names: c.124G>A, p.Ala42Thr (NM_001321193.3, NM_001321194.3, NM_001374327.1 and 2 more transcripts); c.-138G>A (NM_001321195.3, NM_001374330.1); short protein forms A42T.
Identifiers: ClinVar variation 2743187 (VCV002743187.3), dbSNP rs1278153331, ClinGen allele CA355553705.
Genomic context (GRCh38, chr3:177,053,853, plus strand): 5'-CTTCTACATACTGTAGACCTTTCTGGATGATAGAAATCAATGCAGCGGGTGGGACGAGGG[C>T]ACCATTTATATTGGACTGACTGATATGGCTTTCTATACCAAAGGTAAATGCTGAATGAGA-3'
Protein context (NP_078941.2, residues 32-52): SHISQSNING[Ala42Thr]LVPPAALISI

ClinVar aggregate classification (germline): Uncertain significance (1 of 4 stars; one submission).

Conditions:
Pierpont syndrome (PRPTS). Identifiers: Orphanet 487825, MedGen C1865644, MONDO:0011213, OMIM 602342.

Allele frequency attached by ClinVar (database versions not stated): gnomAD exomes below 0.00001.
gnomAD v4.1: 4 of 1,613,738 alleles (0.00025%); highest among the groups gnomAD compares: Non-Finnish European, 0.00034%; no homozygotes.

Submission:

Labcorp Genetics (formerly Invitae), Labcorp
Classification: Uncertain significance for Pierpont syndrome. Last evaluated: 2023-07-14. Review status: criteria provided, single submitter. Criteria: Invitae Variant Classification Sherloc (09022015). Collection method: clinical testing. Allele origin: germline.
Comment: In summary, the available evidence is currently insufficient to determine the role of this variant in disease. Therefore, it has been classified as a Variant of Uncertain Significance. Advanced modeling of protein sequence and biophysical properties (such as structural, functional, and spatial information, amino acid conservation, physicochemical variation, residue mobility, and thermodynamic stability) performed at Invitae indicates that this missense variant is not expected to disrupt TBL1XR1 protein function. This variant has not been reported in the literature in individuals affected with TBL1XR1-related conditions. This variant is present in population databases (no rsID available, gnomAD 0.0009%). This sequence change replaces alanine, which is neutral and non-polar, with threonine, which is neutral and polar, at codon 42 of the TBL1XR1 protein (p.Ala42Thr).